The following is an entry in ClinVar:

NM_001244008.2(KIF1A):c.1295_1297del (p.Arg432_Ile433delinsLeu)

Gene: KIF1A (kinesin family member 1A; minus strand). Cytogenetic location: 2q37.3.
Variant type: Deletion.
Coding change: c.1295_1297del on transcript NM_001244008.2 (MANE Select); coding-DNA positions 1295 to 1297, 3 bases deleted (GCA; older notation c.1295_1297delGCA).
Protein change: p.Arg432_Ile433delinsLeu.
Molecular consequence: inframe indel.
Genome position (GRCh38, 1-based): chr2:240,771,015-240,771,017, TGC deleted on the plus strand (GCA on the coding strand, the reverse complement: KIF1A is on the minus strand). VCF-style (leftmost placement, unchanged base first): chr2-240771014-ATGC-A. GRCh37 (hg19) VCF-style: chr2-241710431-ATGC-A.
Other names: c.1295_1297del, p.Arg432_Ile433delinsLeu (NM_001320705.2, NM_001330289.2, NM_001379638.1); c.1370_1372del, p.Arg457_Ile458delinsLeu (NM_001330290.2, NM_001379631.1, NM_001379634.1 and 2 more transcripts); c.1268_1270del, p.Arg423_Ile424delinsLeu (NM_001379632.1, NM_001379633.1, NM_001379636.1 and 10 more transcripts); c.1343_1345del, p.Arg448_Ile449delinsLeu (NM_001379637.1, NM_001379648.1).
Identifiers: ClinVar variation 4786985 (VCV004786985.1).
Genomic context (GRCh38, chr2:240,771,014, plus strand): 5'-CCAGGTGGTGCCCTCACCTTCAGTCTTTCAATGGCCTCCTCGCTGCCCGGGGCAAACAAG[ATGC>A]GCTCGTGGAGGCTGGACACGGAGGCCGCGCGGCTGGACAGGGCTGAGAGCGAGGATGAGG-3'

ClinVar aggregate classification (germline): Uncertain significance (1 of 4 stars; one submission).

Conditions:
Neuropathy, hereditary sensory, type 2C. Also called: KIF1A-Related HSAN2 (HSAN2C); Hereditary sensory and autonomic neuropathy type IIC. Identifiers: Orphanet 970, MedGen C3280168, MONDO:0013634, OMIM 614213.
Hereditary spastic paraplegia 30. Identifiers: Orphanet 101010, MedGen C5235139, MONDO:0012476.
Intellectual disability, autosomal dominant 9 (NESCAVS). Also called: KIF1A-Related Neurodevelopmental Disorder; NESCAV SYNDROME. Identifiers: Orphanet 662367, MedGen C5393830, MONDO:0013656, OMIM 614255.

Submission:

Labcorp Genetics (formerly Invitae), Labcorp
Classification: Uncertain significance for Hereditary spastic paraplegia 30; Neuropathy, hereditary sensory, type 2C; Intellectual disability, autosomal dominant 9. Last evaluated: 2025-12-13. Review status: criteria provided, single submitter. Criteria: Invitae Variant Classification Sherloc (09022015). Collection method: clinical testing. Allele origin: germline.
Comment: This variant, c.1268_1270del, is a complex sequence change that results in the deletion of 2 and insertion of 1 amino acid(s) in the KIF1A protein (p.Arg423_Ile424delinsLeu). This variant is not present in population databases (gnomAD no frequency). This variant has not been reported in the literature in individuals affected with KIF1A-related conditions. Experimental studies and prediction algorithms are not available or were not evaluated, and the functional significance of this variant is currently unknown. In summary, the available evidence is currently insufficient to determine the role of this variant in disease. Therefore, it has been classified as a Variant of Uncertain Significance.